The following is an entry in ClinVar:

NM_022124.6(CDH23):c.4844C>T (p.Ser1615Leu)

Gene: CDH23 (cadherin related 23; plus strand). Cytogenetic location: 10q22.1.
Variant type: single nucleotide variant.
Coding change: c.4844C>T on transcript NM_022124.6 (MANE Select); coding-DNA position 4844, C replaced by T.
Protein change: p.Ser1615Leu; replaces serine 1615 with leucine.
Molecular consequence: missense variant.
Genome position (GRCh38, 1-based): chr10:71,741,920, C>T. VCF-style: chr10-71741920-C-T. GRCh37 (hg19) VCF-style: chr10-73501677-C-T.
Other names: short protein forms S1615L.
Identifiers: ClinVar variation 1939074 (VCV001939074.4), dbSNP rs773077827, ClinGen allele CA5545162.

ClinVar aggregate classification (germline): Uncertain significance (1 of 4 stars; one submission).

Allele frequency attached by ClinVar (database versions not stated): gnomAD 0.00001; ExAC 0.00002; gnomAD exomes 0.00003.
gnomAD v4.1: 46 of 1,587,976 alleles (0.0029%); highest among the groups gnomAD compares: Non-Finnish European, 0.0034%; no homozygotes.

Submission:

Labcorp Genetics (formerly Invitae), Labcorp
Classification: Uncertain significance. Last evaluated: 2025-01-13. Review status: criteria provided, single submitter. Criteria: Invitae Variant Classification Sherloc (09022015). Collection method: clinical testing. Allele origin: germline.
Comment: This sequence change replaces serine, which is neutral and polar, with leucine, which is neutral and non-polar, at codon 1615 of the CDH23 protein (p.Ser1615Leu). The frequency data for this variant in the population databases is considered unreliable, as metrics indicate poor data quality at this position in the gnomAD database. This variant has not been reported in the literature in individuals affected with CDH23-related conditions. ClinVar contains an entry for this variant (Variation ID: 1939074). Experimental studies and prediction algorithms are not available or were not evaluated, and the functional significance of this variant is currently unknown. In summary, the available evidence is currently insufficient to determine the role of this variant in disease. Therefore, it has been classified as a Variant of Uncertain Significance.